The following is an entry in ClinVar:

NM_001372044.2(SHANK3):c.4589C>T (p.Ala1530Val)

Gene: SHANK3 (SH3 and multiple ankyrin repeat domains 3; plus strand). Cytogenetic location: 22q13.33.
Variant type: single nucleotide variant.
Coding change: c.4589C>T on transcript NM_001372044.2 (MANE Select); coding-DNA position 4589, C replaced by T.
Protein change: p.Ala1530Val; replaces alanine 1530 with valine.
Molecular consequence: missense variant.
Genome position (GRCh38, 1-based): chr22:50,722,197, C>T. VCF-style: chr22-50722197-C-T. GRCh37 (hg19) VCF-style: chr22-51160625-C-T.
Other names: c.4364C>T, p.Ala1455Val (NM_033517.1); short protein forms A1455V, A1530V.
Identifiers: ClinVar variation 1740042 (VCV001740042.2), dbSNP rs768958030, ClinGen allele CA10326268.
Genomic context (GRCh38, chr22:50,722,197, plus strand): 5'-AGCAGTCCTCGGACAGCGAGCTCATGGCCCAGCAGCACCACGCCGCCTCTGCCGGGCTGG[C>T]CTCTGCCGCCGGGCCTGCCCGCCCTCGCTACCTCTTCCAGAGAAGGTCCAAGCTATGGGG-3'
Protein context (NP_001358973.1, residues 1520-1540): QQHHAASAGL[Ala1530Val]SAAGPARPRY

ClinVar aggregate classification (germline): Uncertain significance (1 of 4 stars; one submission).

Conditions:
Inborn genetic diseases. Identifiers: MedGen C0950123, MeSH D030342.

Allele frequency attached by ClinVar (database versions not stated): ExAC 0.00002; gnomAD 0.00002; gnomAD exomes 0.00003; TOPMed 0.00004.

Submission:

Ambry Genetics
Classification: Uncertain significance for Inborn genetic diseases. Last evaluated: 2018-03-21. Review status: criteria provided, single submitter. Criteria: Ambry Variant Classification Scheme 2023. Collection method: clinical testing. Allele origin: germline.
Comment: The p.A1455V variant (also known as c.4364C>T), located in coding exon 21 of the SHANK3 gene, results from a C to T substitution at nucleotide position 4364. The alanine at codon 1455 is replaced by valine, an amino acid with similar properties. This amino acid position is well conserved in available vertebrate species. Since supporting evidence is limited at this time, the clinical significance of this alteration remains unclear.